The following is an entry in ClinVar:

ClinVar aggregate classification (germline): Likely pathogenic (1 of 4 stars; one submission).

Conditions:
Dilated cardiomyopathy 1G (CMD1G). Identifiers: Orphanet 154, MedGen C1858763, MONDO:0011400, OMIM 604145.
Autosomal recessive limb-girdle muscular dystrophy type 2J (LGMDR10). Also called: MUSCULAR DYSTROPHY, LIMB-GIRDLE, AUTOSOMAL RECESSIVE 10; Limb-girdle muscular dystrophy, type 2J. Identifiers: Orphanet 140922, MedGen C1837342, MONDO:0012127, OMIM 608807.

Submission:

Labcorp Genetics (formerly Invitae), Labcorp
Classification: Likely pathogenic for Dilated cardiomyopathy 1G; Autosomal recessive limb-girdle muscular dystrophy type 2J. Last evaluated: 2024-10-28. Review status: criteria provided, single submitter. Criteria: Invitae Variant Classification Sherloc (09022015). Collection method: clinical testing. Allele origin: germline.
Comment: This sequence change creates a premature translational stop signal (p.Phe2953Cysfs*5) in the TTN gene. While this is not anticipated to result in nonsense mediated decay, it is expected to create a truncated TTN protein. This variant is not present in population databases (gnomAD no frequency). This variant has not been observed in the literature in individuals with autosomal recessive TTN-related conditions. This variant has been reported in individual(s) with dilated cardiomyopathy and/or left ventricular non-compaction (PMID: 29029073; internal data); however, the role of the variant in this condition is currently unclear. ClinVar contains an entry for this variant (Variation ID: 1502998). Algorithms developed to predict the effect of sequence changes on RNA splicing suggest that this variant may disrupt the consensus splice site. This variant is located in the I band of TTN (PMID: 25589632). Truncating variants in this region have been reported in individuals affected with autosomal recessive centronuclear myopathy (PMID: 23975875, internal data). Truncating variants in this region have also been identified in individuals affected with autosomal dominant dilated cardiomyopathy and/or cardio-related conditions (PMID: 27869827, 32964742, internal data). In summary, the currently available evidence indicates that the variant is pathogenic, but additional data are needed to prove that conclusively. Therefore, this variant has been classified as Likely Pathogenic.

Literature cited by the submitters: PubMed 29029073; PubMed 25589632; PubMed 23975875; PubMed 27869827; PubMed 32964742.

NM_001267550.2(TTN):c.8858_8859del (p.Phe2953fs)

Gene: TTN (titin; minus strand). Cytogenetic location: 2q31.2.
Variant type: Deletion.
Coding change: c.8858_8859del on transcript NM_001267550.2 (MANE Select); coding-DNA positions 8858 to 8859, 2 bases deleted (TT; older notation c.8858_8859delTT).
Protein change: p.Phe2953fs; shifts the reading frame from phenylalanine 2953.
Molecular consequence: frameshift variant.
Genome position (GRCh38, 1-based): chr2:178,769,722-178,769,723, AA deleted on the plus strand (TT on the coding strand, the reverse complement: TTN is on the minus strand); deleting any 2 consecutive bases within chr2:178,769,722-178,769,724 gives the same sequence; the c. name uses the placement nearest the transcript's 3' end. VCF-style (leftmost placement, unchanged base first): chr2-178769721-CAA-C. GRCh37 (hg19) VCF-style: chr2-179634448-CAA-C.
Other names: c.8858_8859del, p.Phe2953fs (NM_001256850.1, NM_133378.4, NM_133379.5); c.8720_8721del, p.Phe2907fs (NM_003319.4, NM_133432.3, NM_133437.4); short protein forms F2953fs, F2907fs.
Identifiers: ClinVar variation 1502998 (VCV001502998.8), dbSNP rs2154342483, ClinGen allele CA2573134002.
Genomic context (GRCh38, chr2:178,769,721, plus strand): 5'-ATATATTTTTTAACTTACGGGTGACTGTCAGGGTGGCACTGACTTGGTCATTGCCACAGA[CAA>C]ATGTGTATTCTGCCGAGTCCTCTGTGCTGGTGTTCATGATGATCAGCTGATGGAGTTTTC-3'